The following is an entry in ClinVar:

NM_003227.4(TFR2):c.1391-1G>A

Gene: TFR2 (transferrin receptor 2; minus strand). Cytogenetic location: 7q22.1.
Variant type: single nucleotide variant.
Coding change: c.1391-1G>A on transcript NM_003227.4 (MANE Select); the canonical splice acceptor site of the intron before coding-DNA position 1391, G replaced by A.
Molecular consequence: splice acceptor variant.
Genome position (GRCh38, 1-based): chr7:100,628,307, C>T on the plus strand (G>A on the coding strand, the complement: TFR2 is on the minus strand). VCF-style: chr7-100628307-C-T. GRCh37 (hg19) VCF-style: chr7-100225930-C-T.
Other names: c.878-1G>A (NM_001206855.3).
Identifiers: ClinVar variation 2997925 (VCV002997925.3), dbSNP rs773320398, ClinGen allele CA163276481.

ClinVar aggregate classification (germline): Likely pathogenic (1 of 4 stars; one submission).

Conditions:
Hereditary hemochromatosis (HFE). Identifiers: MedGen C0392514, MONDO:0006507. Disease mechanism: loss of function.

Allele frequency attached by ClinVar (database versions not stated): gnomAD exomes below 0.00001.
gnomAD v4.1: 1 of 1,614,042 alleles (0.000062%); highest among the groups gnomAD compares: Non-Finnish European, 0.000085%; no homozygotes.

Submission:

Labcorp Genetics (formerly Invitae), Labcorp
Classification: Likely pathogenic for Hereditary hemochromatosis. Last evaluated: 2023-12-13. Review status: criteria provided, single submitter. Criteria: Invitae Variant Classification Sherloc (09022015). Collection method: clinical testing. Allele origin: germline.
Comment: This sequence change affects an acceptor splice site in intron 10 of the TFR2 gene. It is expected to disrupt RNA splicing. Variants that disrupt the donor or acceptor splice site typically lead to a loss of protein function (PMID: 16199547), and loss-of-function variants in TFR2 are known to be pathogenic (PMID: 23600741, 26029709). This variant is not present in population databases (gnomAD no frequency). This variant has not been reported in the literature in individuals affected with TFR2-related conditions. Algorithms developed to predict the effect of sequence changes on RNA splicing suggest that this variant may disrupt the consensus splice site. In summary, the currently available evidence indicates that the variant is pathogenic, but additional data are needed to prove that conclusively. Therefore, this variant has been classified as Likely Pathogenic.

Literature cited by the submitters: PubMed 16199547; PubMed 23600741; PubMed 26029709.